The following is an entry in ClinVar:

NM_170784.3(MKKS):c.1261A>G (p.Ile421Val)

Gene: MKKS (MKKS centrosomal shuttling protein; minus strand). Cytogenetic location: 20p12.2.
Variant type: single nucleotide variant.
Coding change: c.1261A>G on transcript NM_170784.3 (MANE Select); coding-DNA position 1261, A replaced by G.
Protein change: p.Ile421Val; replaces isoleucine 421 with valine.
Molecular consequence: missense variant. On other transcripts: non-coding transcript variant (1).
Genome position (GRCh38, 1-based): chr20:10,407,627, T>C on the plus strand (A>G on the coding strand, the complement: MKKS is on the minus strand). VCF-style: chr20-10407627-T-C. GRCh37 (hg19) VCF-style: chr20-10388275-T-C.
Other names: c.1261A>G, p.Ile421Val (NM_018848.3); c.1261A>G (NM_018848.2); short protein forms I421V.
Identifiers: ClinVar variation 1394446 (VCV001394446.7), dbSNP rs778950712, ClinGen allele CA9763523.

ClinVar aggregate classification (germline): Uncertain significance. Review status: criteria provided, multiple submitters, no conflicts (2 of 4 stars). 3 submissions from 3 submitters: Uncertain significance (2). 1 of the submissions does not count toward it. Last evaluated 2024-11-13.

Conditions:
Bardet-Biedl syndrome (BBS). Identifiers: Orphanet 110, MedGen C0752166, MONDO:0015229.
McKusick-Kaufman syndrome (MKKS). Also called: HYDROMETROCOLPOS SYNDROME; HYDROMETROCOLPOS, POSTAXIAL POLYDACTYLY, AND CONGENITAL HEART MALFORMATION. Identifiers: Orphanet 2473, MedGen C0948368, MONDO:0009367, OMIM 236700.
MKKS-related disorder. Also called: MKKS-related condition; MKKS-related disorders.
Inborn genetic diseases. Identifiers: MedGen C0950123, MeSH D030342.

Allele frequency attached by ClinVar (database versions not stated): gnomAD 0.00001; ExAC 0.00003; gnomAD exomes 0.00003 and 0.00005.
gnomAD v4.1: 43 of 1,613,194 alleles (0.0027%); highest among the groups gnomAD compares: South Asian, 0.038%; no homozygotes.

Submissions (3):

Ambry Genetics
Classification: Uncertain significance for Inborn genetic diseases. Last evaluated: 2024-11-13. Review status: criteria provided, single submitter. Criteria: Ambry Variant Classification Scheme 2023. Collection method: clinical testing. Allele origin: germline.

Labcorp Genetics (formerly Invitae), Labcorp
Classification: Uncertain significance for McKusick-Kaufman syndrome; Bardet-Biedl syndrome. Last evaluated: 2022-07-26. Review status: criteria provided, single submitter. Criteria: Invitae Variant Classification Sherloc (09022015). Collection method: clinical testing. Allele origin: germline.
Comment: This sequence change replaces isoleucine, which is neutral and non-polar, with valine, which is neutral and non-polar, at codon 421 of the MKKS protein (p.Ile421Val). This variant is present in population databases (rs778950712, gnomAD 0.04%). This variant has not been reported in the literature in individuals affected with MKKS-related conditions. ClinVar contains an entry for this variant (Variation ID: 1394446). Algorithms developed to predict the effect of missense changes on protein structure and function output the following: SIFT: "Tolerated"; PolyPhen-2: "Benign"; Align-GVGD: "Class C0". The valine amino acid residue is found in multiple mammalian species, which suggests that this missense change does not adversely affect protein function. In summary, the available evidence is currently insufficient to determine the role of this variant in disease. Therefore, it has been classified as a Variant of Uncertain Significance.

PreventionGenetics, part of Exact Sciences
Classification: Uncertain significance for MKKS-related condition. Last evaluated: 2024-07-15. Review status: no assertion criteria provided. Collection method: clinical testing. Allele origin: germline. Not counted in ClinVar's aggregate classification.
Comment: The MKKS c.1261A>G variant is predicted to result in the amino acid substitution p.Ile421Val. To our knowledge, this variant has not been reported in the literature. This variant is reported in 0.039% of alleles in individuals of South Asian descent in gnomAD. At this time, the clinical significance of this variant is uncertain due to the absence of conclusive functional and genetic evidence.